The following is an entry in ClinVar:

NM_198576.4(AGRN):c.5936C>T (p.Pro1979Leu)

Gene: AGRN (agrin; plus strand). Cytogenetic location: 1p36.33.
Variant type: single nucleotide variant.
Coding change: c.5936C>T on transcript NM_198576.4 (MANE Select); coding-DNA position 5936, C replaced by T.
Protein change: p.Pro1979Leu; replaces proline 1979 with leucine.
Molecular consequence: missense variant.
Genome position (GRCh38, 1-based): chr1:1,054,507, C>T. VCF-style: chr1-1054507-C-T. GRCh37 (hg19) VCF-style: chr1-989887-C-T.
Other names: c.6005C>T, p.Pro2002Leu (NM_001305275.2); c.5633C>T, p.Pro1878Leu (NM_001364727.2); short protein forms P1979L, P2002L, P1878L.
Identifiers: ClinVar variation 952141 (VCV000952141.7), dbSNP rs750764002, ClinGen allele CA510281.

ClinVar aggregate classification (germline): Uncertain significance. Review status: criteria provided, multiple submitters, no conflicts (2 of 4 stars). 2 submissions from 2 submitters: Uncertain significance (2). Last evaluated 2025-06-29.

Conditions:
Inborn genetic diseases. Identifiers: MedGen C0950123, MeSH D030342.
Congenital myasthenic syndrome 8. Also called: Myasthenic syndrome, congenital, 8, with pre- and postsynaptic defects; MYASTHENIC SYNDROME, CONGENITAL, DUE TO AGRIN DEFICIENCY. Identifiers: Orphanet 590, MedGen C3808739, MONDO:0014052, OMIM 615120.

Allele frequency attached by ClinVar (database versions not stated): TOPMed 0.00001; gnomAD 0.00002; gnomAD exomes 0.00004 and 0.00005; ExAC 0.00009.
gnomAD v4.1: 81 of 1,603,450 alleles (0.0051%); highest among the groups gnomAD compares: Non-Finnish European, 0.006%; no homozygotes.

Submissions (2):

Ambry Genetics
Classification: Uncertain significance for Inborn genetic diseases. Last evaluated: 2025-06-29. Review status: criteria provided, single submitter. Criteria: Ambry Variant Classification Scheme 2023. Collection method: clinical testing. Allele origin: germline.

Labcorp Genetics (formerly Invitae), Labcorp
Classification: Uncertain significance for Congenital myasthenic syndrome 8. Last evaluated: 2021-08-31. Review status: criteria provided, single submitter. Criteria: Invitae Variant Classification Sherloc (09022015). Collection method: clinical testing. Allele origin: germline.
Comment: This sequence change replaces proline with leucine at codon 1979 of the AGRN protein (p.Pro1979Leu). The proline residue is highly conserved and there is a moderate physicochemical difference between proline and leucine. This variant is present in population databases (rs750764002, ExAC 0.02%). This variant has not been reported in the literature in individuals affected with AGRN-related conditions. Algorithms developed to predict the effect of missense changes on protein structure and function are either unavailable or do not agree on the potential impact of this missense change (SIFT: "Deleterious"; PolyPhen-2: "Probably Damaging"; Align-GVGD: "Class C0"). In summary, the available evidence is currently insufficient to determine the role of this variant in disease. Therefore, it has been classified as a Variant of Uncertain Significance.